The following is an entry in ClinVar:

ClinVar aggregate classification (germline): Benign. Review status: criteria provided, multiple submitters, no conflicts (2 of 4 stars). 4 submissions from 4 submitters: Benign (3). 1 of the submissions does not count toward it. Last evaluated 2025-05-01.

Conditions:
GGN-related disorder. Also called: GGN-related condition.

Allele frequency attached by ClinVar (database versions not stated): 1000 Genomes Project 30x 0.00484; 1000 Genomes Project 0.00499; TOPMed 0.00783; ESP Exome Variant Server 0.00892.

Submissions (4):

CeGaT Center for Human Genetics Tuebingen
Classification: Benign. Last evaluated: 2025-05-01. Review status: criteria provided, single submitter. Criteria: CeGaT Center For Human Genetics Tuebingen Variant Classification Criteria Version 2. Collection method: clinical testing. Allele origin: germline. Affected: yes. Observed: 5 variant alleles.
Comment: GGN: BS1, BS2

Labcorp Genetics (formerly Invitae), Labcorp
Classification: Benign. Last evaluated: 2019-12-31. Review status: criteria provided, single submitter. Criteria: Invitae Variant Classification Sherloc (09022015). Collection method: clinical testing. Allele origin: germline.

Breakthrough Genomics
Classification: Benign. Review status: criteria provided, single submitter. Criteria: ACMG Guidelines, 2015. Collection method: not provided. Allele origin: germline. Inheritance: Autosomal recessive inheritance. Affected: yes.

PreventionGenetics, part of Exact Sciences
Classification: Likely benign for GGN-related condition. Last evaluated: 2023-09-22. Review status: no assertion criteria provided. Collection method: clinical testing. Allele origin: germline. Not counted in ClinVar's aggregate classification.
Comment: This variant is classified as likely benign based on ACMG/AMP sequence variant interpretation guidelines (Richards et al. 2015 PMID: 25741868, with internal and published modifications).

NM_152657.4(GGN):c.1939C>T (p.Gln647Ter)

Gene: GGN (gametogenetin; minus strand). Cytogenetic location: 19q13.2.
Variant type: single nucleotide variant.
Coding change: c.1939C>T on transcript NM_152657.4 (MANE Select); coding-DNA position 1939, C replaced by T.
Protein change: p.Gln647Ter; replaces glutamine 647 with a stop codon.
Molecular consequence: nonsense.
Genome position (GRCh38, 1-based): chr19:38,384,432, G>A on the plus strand (C>T on the coding strand, the complement: GGN is on the minus strand). VCF-style: chr19-38384432-G-A. GRCh37 (hg19) VCF-style: chr19-38875072-G-A.
Other names: short protein forms Q647*.
Identifiers: ClinVar variation 769973 (VCV000769973.28), dbSNP rs62123481, ClinGen allele CA9413976.